The following is an entry in ClinVar:

ClinVar aggregate classification (germline): Uncertain significance (1 of 4 stars; one submission).

gnomAD v4.1: 4 of 1,612,294 alleles (0.00025%); highest among the groups gnomAD compares: Non-Finnish European, 0.00034%; no homozygotes.

Submission:

Labcorp Genetics (formerly Invitae), Labcorp
Classification: Uncertain significance. Last evaluated: 2024-05-29. Review status: criteria provided, single submitter. Criteria: Invitae Variant Classification Sherloc (09022015). Collection method: clinical testing. Allele origin: germline.
Comment: This sequence change replaces valine, which is neutral and non-polar, with isoleucine, which is neutral and non-polar, at codon 106 of the AUTS2 protein (p.Val106Ile). This variant is not present in population databases (gnomAD no frequency). This variant has not been reported in the literature in individuals affected with AUTS2-related conditions. An algorithm developed to predict the effect of missense changes on protein structure and function (PolyPhen-2) suggests that this variant is likely to be tolerated. In summary, the available evidence is currently insufficient to determine the role of this variant in disease. Therefore, it has been classified as a Variant of Uncertain Significance.

NM_015570.4(AUTS2):c.316G>A (p.Val106Ile)

Gene: AUTS2 (activator of transcription and developmental regulator AUTS2; plus strand). Cytogenetic location: 7q11.22.
Variant type: single nucleotide variant.
Coding change: c.316G>A on transcript NM_015570.4 (MANE Select); coding-DNA position 316, G replaced by A.
Protein change: p.Val106Ile; replaces valine 106 with isoleucine.
Molecular consequence: missense variant.
Genome position (GRCh38, 1-based): chr7:69,899,292, G>A. VCF-style: chr7-69899292-G-A. GRCh37 (hg19) VCF-style: chr7-69364278-G-A.
Other names: c.316G>A, p.Val106Ile (NM_001127231.3, NM_001127232.3); short protein forms V106I.
Identifiers: ClinVar variation 3697565 (VCV003697565.2).
Genomic context (GRCh38, chr7:69,899,292, plus strand): 5'-ACCCTAGATACCTTTGTAACCACCACTTCCCTTTCCTTCTCTTCTTTTCTACAGAAAGAT[G>A]TAGCACTTAAGCCTCAGGAACGTGTGGAGAAACGCCAGACGCCCCTGACCAAGAAGAAAC-3'
Protein context (NP_056385.1, residues 96-116): FVTFEALEKD[Val106Ile]ALKPQERVEK